The following is an entry in ClinVar:

ClinVar aggregate classification (germline): Uncertain significance (1 of 4 stars; one submission).

gnomAD v4.1: 2 of 1,614,208 alleles (0.00012%); highest among the groups gnomAD compares: Non-Finnish European, 0.00017%; no homozygotes.

Submission:

Labcorp Genetics (formerly Invitae), Labcorp
Classification: Uncertain significance. Last evaluated: 2024-11-11. Review status: criteria provided, single submitter. Criteria: Invitae Variant Classification Sherloc (09022015). Collection method: clinical testing. Allele origin: germline.
Comment: This sequence change replaces proline, which is neutral and non-polar, with arginine, which is basic and polar, at codon 1092 of the COL11A2 protein (p.Pro1092Arg). This variant is not present in population databases (gnomAD no frequency). This variant has not been reported in the literature in individuals affected with COL11A2-related conditions. Invitae Evidence Modeling of protein sequence and biophysical properties (such as structural, functional, and spatial information, amino acid conservation, physicochemical variation, residue mobility, and thermodynamic stability) indicates that this missense variant is not expected to disrupt COL11A2 protein function with a negative predictive value of 95%. In summary, the available evidence is currently insufficient to determine the role of this variant in disease. Therefore, it has been classified as a Variant of Uncertain Significance.

NM_080680.3(COL11A2):c.3275C>G (p.Pro1092Arg)

Gene: COL11A2 (collagen type XI alpha 2 chain; minus strand). Cytogenetic location: 6p21.32.
Variant type: single nucleotide variant.
Coding change: c.3275C>G on transcript NM_080680.3 (MANE Select); coding-DNA position 3275, C replaced by G.
Protein change: p.Pro1092Arg; replaces proline 1092 with arginine.
Molecular consequence: missense variant.
Genome position (GRCh38, 1-based): chr6:33,171,308, G>C on the plus strand (C>G on the coding strand, the complement: COL11A2 is on the minus strand). VCF-style: chr6-33171308-G-C. GRCh37 (hg19) VCF-style: chr6-33139085-G-C.
Other names: c.3095C>G, p.Pro1032Arg (NM_001424108.1); c.2429C>G, p.Pro810Arg (NM_001424109.1); c.2249C>G, p.Pro750Arg (NM_001424110.1, NM_001424111.1); c.1229C>G, p.Pro410Arg (NM_001424112.1); c.2954C>G, p.Pro985Arg (NM_080679.3); c.3017C>G, p.Pro1006Arg (NM_080681.3); short protein forms P410R, P1092R, P750R, P810R, P1006R, P1032R, P985R.
Identifiers: ClinVar variation 3711489 (VCV003711489.2).